The following is an entry in ClinVar:

NM_005055.5(RAPSN):c.1086C>G (p.Tyr362Ter)

Gene: RAPSN (receptor associated protein of the synapse; minus strand). Cytogenetic location: 11p11.2.
Variant type: single nucleotide variant.
Coding change: c.1086C>G on transcript NM_005055.5 (MANE Select); coding-DNA position 1086, C replaced by G.
Protein change: p.Tyr362Ter; replaces tyrosine 362 with a stop codon.
Molecular consequence: nonsense. On other transcripts: intron variant (3), missense variant (3).
Genome position (GRCh38, 1-based): chr11:47,438,812, G>C on the plus strand (C>G on the coding strand, the complement: RAPSN is on the minus strand). VCF-style: chr11-47438812-G-C. GRCh37 (hg19) VCF-style: chr11-47460363-G-C.
Other names: c.967-765C>G (NM_001440494.1); c.1222C>G, p.Leu408Val (NM_001440490.1); c.1171C>G, p.Leu391Val (NM_001440491.1); c.1086C>G, p.Tyr362Ter (NM_001440492.1); c.889C>G, p.Leu297Val (NM_001440493.1); c.1032C>G, p.Tyr344Ter (NM_001440495.1); c.963C>G, p.Tyr321Ter (NM_001440497.1, NM_001440498.1); c.927C>G, p.Tyr309Ter (NM_001440499.1); and 6 more; short protein forms L297V, L391V, L408V, Y249*, Y268*, Y291*, Y303*, Y309*.
Identifiers: ClinVar variation 4815405 (VCV004815405.1).
Genomic context (GRCh38, chr11:47,438,812, plus strand): 5'-GCAAGGTAGGGCCTGCAGCCGGCTGTTCTTCTCGCCTATGGACTCGCCGCACAGGCCGCA[G>C]TAGAGCTCCGTCTCCTCCACGCACTCGTGGAACCTCACAACGTGCGCCCGCAGTTCCCGC-3'

ClinVar aggregate classification (germline): Likely pathogenic (1 of 4 stars; one submission).

Conditions:
Congenital myasthenic syndrome (CMS). Also called: Congenital Myasthenic Syndromes. Identifiers: Orphanet 590, MedGen C0751882, MeSH D020294, MONDO:0018940.

Submission:

Natera, Inc.
Classification: Likely pathogenic for Congenital myasthenic syndrome. Last evaluated: 2025-06-19. Review status: criteria provided, single submitter. Criteria: Natera Variant Classification Schema (03/2026). Collection method: clinical testing. Allele origin: germline.
Comment: The c.1086C>G variant in RAPSN is a nonsense variant predicted to introduce a stop codon at amino acid 362. This variant is expected to result in nonsense mediated decay, truncation, or a dysfunctional protein product. This variant is rare in the general population with a frequency below the threshold expected for the associated phenotype(s). Given the available evidence, this variant is classified as Likely Pathogenic.